The following is an entry in ClinVar:

ClinVar aggregate classification (germline): Uncertain significance (1 of 4 stars; one submission).

Allele frequency attached by ClinVar (database versions not stated): TOPMed below 0.00001.
gnomAD v4.1: 3 of 1,442,230 alleles (0.00021%); highest among the groups gnomAD compares: Non-Finnish European, 0.000091%; no homozygotes.

Submission:

Labcorp Genetics (formerly Invitae), Labcorp
Classification: Uncertain significance. Last evaluated: 2024-02-19. Review status: criteria provided, single submitter. Criteria: Invitae Variant Classification Sherloc (09022015). Collection method: clinical testing. Allele origin: germline.
Comment: This sequence change disrupts the translational stop signal of the FSCN2 mRNA. It is expected to extend the length of the FSCN2 protein by an uncertain number of additional amino acid residues. This variant is not present in population databases (gnomAD no frequency). This variant has not been reported in the literature in individuals affected with FSCN2-related conditions. ClinVar contains an entry for this variant (Variation ID: 1908845). In summary, the available evidence is currently insufficient to determine the role of this variant in disease. Therefore, it has been classified as a Variant of Uncertain Significance.

NM_012418.4(FSCN2):c.1477T>A (p.Ter493Arg)

Gene: FSCN2 (fascin actin-bundling protein 2, retinal; plus strand). Cytogenetic location: 17q25.3.
Variant type: single nucleotide variant.
Coding change: c.1477T>A on transcript NM_012418.4 (MANE Select); coding-DNA position 1477, T replaced by A.
Protein change: p.Ter493Arg.
Molecular consequence: stop lost.
Genome position (GRCh38, 1-based): chr17:81,537,078, T>A. VCF-style: chr17-81537078-T-A. GRCh37 (hg19) VCF-style: chr17-79504104-T-A.
Other names: c.1549T>A, p.Ter517Arg (NM_001077182.3).
Identifiers: ClinVar variation 1908845 (VCV001908845.5), dbSNP rs2032913636, ClinGen allele CA401479320.